The following is an entry in ClinVar:

ClinVar aggregate classification (germline): Likely benign (1 of 4 stars; one submission).

Allele frequency attached by ClinVar (database versions not stated): gnomAD 0.00003; TOPMed 0.00003; gnomAD exomes 0.00004 and 0.00019; ExAC 0.00007; ESP Exome Variant Server 0.00008.
gnomAD v4.1: 272 of 1,613,786 alleles (0.017%); highest among the groups gnomAD compares: Non-Finnish European, 0.023%; no homozygotes.

Submission:

CeGaT Center for Human Genetics Tuebingen
Classification: Likely benign. Last evaluated: 2022-08-01. Review status: criteria provided, single submitter. Criteria: CeGaT Center For Human Genetics Tuebingen Variant Classification Criteria Version 2. Collection method: clinical testing. Allele origin: germline. Affected: yes. Observed: 2 variant alleles.
Comment: CAMK2A: BP4, BP7

NM_015981.4(CAMK2A):c.1191G>A (p.Gly397=)

Gene: CAMK2A (calcium/calmodulin dependent protein kinase II alpha; minus strand). Cytogenetic location: 5q32.
Variant type: single nucleotide variant.
Coding change: c.1191G>A on transcript NM_015981.4 (MANE Select); coding-DNA position 1191, G replaced by A.
Protein change: p.Gly397=; no amino-acid change (glycine 397 retained).
Molecular consequence: synonymous variant.
Genome position (GRCh38, 1-based): chr5:150,228,238, C>T on the plus strand (G>A on the coding strand, the complement: CAMK2A is on the minus strand). VCF-style: chr5-150228238-C-T. GRCh37 (hg19) VCF-style: chr5-149607801-C-T.
Other names: c.1191G>A, p.Gly397= (NM_001363989.1); c.1158G>A, p.Gly386= (NM_001363990.1, NM_001369025.2, NM_171825.3).
Identifiers: ClinVar variation 1299006 (VCV001299006.35), dbSNP rs371839355, ClinGen allele CA3509554.